The following is an entry in ClinVar:

ClinVar aggregate classification (germline): Pathogenic. Review status: criteria provided, multiple submitters, no conflicts (2 of 4 stars). 3 submissions from 3 submitters: Pathogenic (3). Last evaluated 2026-05-22.

Conditions:
Hereditary cancer-predisposing syndrome. Also called: Neoplastic Syndromes, Hereditary; Tumor predisposition; Hereditary Cancer Syndrome; Hereditary neoplastic syndrome. Identifiers: Orphanet 140162, MedGen C0027672, MeSH D009386, MONDO:0015356.
Familial cancer of breast. Also called: Hereditary breast cancer; hereditary breast carcinoma; BREAST CANCER, FAMILIAL. Identifiers: Orphanet 227535, MedGen C0346153, MONDO:0016419, OMIM 114480. Disease mechanism: loss of function.
Ataxia-telangiectasia syndrome (AT). Also called: Cerebello-oculocutaneous telangiectasia; Immunodeficiency with ataxia telangiectasia; Ataxia-telangiectasia, complementation group D; AT, COMPLEMENTATION GROUP C; ATAXIA-TELANGIECTASIA, COMPLEMENTATION GROUP A; ATAXIA-TELANGIECTASIA, FRESNO VARIANT. Identifiers: Orphanet 100, MedGen C0004135, MONDO:0008840, OMIM 208900.

Submissions (3):

Ambry Genetics
Classification: Pathogenic for Hereditary cancer-predisposing syndrome. Last evaluated: 2026-05-22. Review status: criteria provided, single submitter. Criteria: Ambry Variant Classification Scheme 2023. Collection method: clinical testing. Allele origin: germline.
Comment: The p.Q476* pathogenic mutation (also known as c.1426C>T), located in coding exon 9 of the ATM gene, results from a C to T substitution at nucleotide position 1426. This changes the amino acid from a glutamine to a stop codon within coding exon 9. This variant is considered to be rare based on population cohorts in the Genome Aggregation Database (gnomAD). This alteration is expected to result in loss of function by premature protein truncation or nonsense-mediated mRNA decay. As such, this alteration is interpreted as a disease-causing mutation.

Labcorp Genetics (formerly Invitae), Labcorp
Classification: Pathogenic for Ataxia-telangiectasia syndrome. Last evaluated: 2024-08-16. Review status: criteria provided, single submitter. Criteria: Invitae Variant Classification Sherloc (09022015). Collection method: clinical testing. Allele origin: germline.
Comment: This sequence change creates a premature translational stop signal (p.Gln476*) in the ATM gene. It is expected to result in an absent or disrupted protein product. Loss-of-function variants in ATM are known to be pathogenic (PMID: 23807571, 25614872). This variant is not present in population databases (gnomAD no frequency). This variant has not been reported in the literature in individuals affected with ATM-related conditions. ClinVar contains an entry for this variant (Variation ID: 2073039). For these reasons, this variant has been classified as Pathogenic.

Myriad Genetics, Inc.
Classification: Pathogenic for Familial cancer of breast. Last evaluated: 2024-01-16. Review status: criteria provided, single submitter. Criteria: Myriad Autosomal Dominant, Autosomal Recessive and X-Linked Classification Criteria (2023). Collection method: clinical testing. Allele origin: unknown.
Comment: This variant is considered pathogenic. This variant creates a termination codon and is predicted to result in premature protein truncation.

Literature cited by the submitters: PubMed 23807571 (cited by Labcorp Genetics (formerly Invitae), Labcorp); PubMed 25614872 (cited by Labcorp Genetics (formerly Invitae), Labcorp).

NM_000051.4(ATM):c.1426C>T (p.Gln476Ter)

Gene: ATM (ATM serine/threonine kinase; plus strand). Cytogenetic location: 11q22.3.
Variant type: single nucleotide variant.
Coding change: c.1426C>T on transcript NM_000051.4 (MANE Select); coding-DNA position 1426, C replaced by T.
Protein change: p.Gln476Ter; replaces glutamine 476 with a stop codon.
Molecular consequence: nonsense.
Genome position (GRCh38, 1-based): chr11:108,250,891, C>T. VCF-style: chr11-108250891-C-T. GRCh37 (hg19) VCF-style: chr11-108121618-C-T.
Other names: c.1426C>T, p.Gln476Ter (NM_001351834.2); short protein forms Q476*.
Identifiers: ClinVar variation 2073039 (VCV002073039.6), dbSNP rs2497246164, ClinGen allele CA382534027.
Genomic context (GRCh38, chr11:108,250,891, plus strand): 5'-TTACGATGCCTTACGGAAGTTGCATTGTGTCAAGACAAGAGGTCAAACCTAGAAAGCTCA[C>T]AAAAGTCAGATTTATTAAAACTCTGGAATAAAATTTGGTGTATTACCTTTCGTGGTATAA-3'